The following is an entry in ClinVar:

NM_014874.4(MFN2):c.1148C>T (p.Ala383Val)

Gene: MFN2 (mitofusin 2; plus strand). Cytogenetic location: 1p36.22.
Variant type: single nucleotide variant.
Coding change: c.1148C>T on transcript NM_014874.4 (MANE Select); coding-DNA position 1148, C replaced by T.
Protein change: p.Ala383Val; replaces alanine 383 with valine.
Molecular consequence: missense variant.
Genome position (GRCh38, 1-based): chr1:12,002,091, C>T. VCF-style: chr1-12002091-C-T. GRCh37 (hg19) VCF-style: chr1-12062148-C-T.
Other names: c.1148C>T, p.Ala383Val (NM_001127660.2); c.1148C>T (NM_014874.3); short protein forms A383V.
Identifiers: ClinVar variation 193898 (VCV000193898.10), dbSNP rs794727035, ClinGen allele CA239603.

ClinVar aggregate classification (germline): Pathogenic/Likely pathogenic. Review status: criteria provided, multiple submitters, no conflicts (2 of 4 stars). 3 submissions from 3 submitters: Pathogenic (2); Likely pathogenic (1). Last evaluated 2024-03-15.

Conditions:
Charcot-Marie-Tooth disease type 2. Also called: Charcot-Marie-Tooth type 2. Identifiers: Orphanet 64746, MedGen C0270914, MONDO:0018993.

Submissions (3):

Athena Diagnostics
Classification: Likely pathogenic. Last evaluated: 2024-03-15. Review status: criteria provided, single submitter. Criteria: Athena Diagnostics Criteria. Collection method: clinical testing. Allele origin: unknown.
Comment: This variant has been identified in multiple unrelated individuals with CMT and segregates with disease in at least one family. Reduced penetrance has also been reported. This variant has not been reported in large, multi-ethnic general populations. Assessment of experimental evidence regarding the effect of this variant on protein function is inconclusive. This variant did not produce a mitochondrial functional defect when expressed in cellular models, but did so in cell-free experiments (PMID: 32245838).

Labcorp Genetics (formerly Invitae), Labcorp
Classification: Pathogenic for Charcot-Marie-Tooth disease type 2. Last evaluated: 2022-02-22. Review status: criteria provided, single submitter. Criteria: Invitae Variant Classification Sherloc (09022015). Collection method: clinical testing. Allele origin: germline.
Comment: For these reasons, this variant has been classified as Pathogenic. Advanced modeling of protein sequence and biophysical properties (such as structural, functional, and spatial information, amino acid conservation, physicochemical variation, residue mobility, and thermodynamic stability) performed at Invitae indicates that this missense variant is expected to disrupt MFN2 protein function. ClinVar contains an entry for this variant (Variation ID: 193898). This missense change has been observed in individual(s) with clinical features of autosomal dominant Charcot-Marie-Tooth disease (PMID: 17940179). It has also been observed to segregate with disease in related individuals. This variant is not present in population databases (gnomAD no frequency). This sequence change replaces alanine, which is neutral and non-polar, with valine, which is neutral and non-polar, at codon 383 of the MFN2 protein (p.Ala383Val).

Eurofins Ntd Llc (ga)
Classification: Pathogenic. Last evaluated: 2017-05-22. Review status: criteria provided, single submitter. Criteria: EGL Classification Definitions 2015. Collection method: clinical testing. Allele origin: germline. Observed: 2 variant alleles, 2 heterozygotes.

Literature cited by the submitters: PubMed 17940179 (cited by 3 submitters); PubMed 35418194 (cited by Athena Diagnostics); PubMed 24819634 (cited by Athena Diagnostics and Eurofins Ntd Llc (ga)); PubMed 22492563 (cited by Athena Diagnostics and Eurofins Ntd Llc (ga)); PubMed 27506976 (cited by Athena Diagnostics); PubMed 32245838 (cited by Athena Diagnostics).